The following is an entry in ClinVar:

ClinVar aggregate classification (germline): Pathogenic. Review status: criteria provided, single submitter (1 of 4 stars). 2 submissions from 2 submitters: Pathogenic (1). 1 of the submissions does not count toward it. Last evaluated 2025-11-04.

Conditions:
Joubert syndrome 25 (JBTS25). Identifiers: Orphanet 475, MedGen C4084842, MONDO:0014770, OMIM 616781.

Allele frequency attached by ClinVar (database versions not stated): gnomAD exomes below 0.00001; TOPMed 0.00001.
gnomAD v4.1: 2 of 1,611,184 alleles (0.00012%); highest among the groups gnomAD compares: Non-Finnish European, 0.000085%; no homozygotes.

Submissions (2):

GeneDx
Classification: Pathogenic. Last evaluated: 2025-11-04. Review status: criteria provided, single submitter. Criteria: GeneDx Variant Classification Process June 2021. Collection method: clinical testing. Allele origin: germline.
Comment: Canonical splice site variant predicted to result in a null allele in a gene for which loss of function is a known mechanism of disease; Not observed at significant frequency in large population cohorts (gnomAD); This variant is associated with the following publications: (PMID: 31625690, 26477546)

OMIM
Classification: Pathogenic for JOUBERT SYNDROME 25. Last evaluated: 2022-08-09. Review status: no assertion criteria provided. Collection method: literature only. Allele origin: germline. Not counted in ClinVar's aggregate classification.

Literature cited by the submitters: PubMed 26477546 (cited by OMIM).

NM_014704.4(CEP104):c.735+2T>C

Gene: CEP104 (centrosomal protein 104; minus strand). Cytogenetic location: 1p36.32.
Variant type: single nucleotide variant.
Coding change: c.735+2T>C on transcript NM_014704.4 (MANE Select); the canonical splice donor site of the intron after coding-DNA position 735, T replaced by C.
Molecular consequence: splice donor variant.
Genome position (GRCh38, 1-based): chr1:3,839,606, A>G on the plus strand (T>C on the coding strand, the complement: CEP104 is on the minus strand). VCF-style: chr1-3839606-A-G. GRCh37 (hg19) VCF-style: chr1-3756170-A-G.
Other names: IVS7DS, T-C, +2.
Identifiers: ClinVar variation 221274 (VCV000221274.4), dbSNP rs869025276, ClinGen allele CA351558.